The following is an entry in ClinVar:

ClinVar aggregate classification (germline): Uncertain significance (1 of 4 stars; one submission).

Conditions:
Familial thoracic aortic aneurysm and aortic dissection (TAAD). Also called: Thoracic aortic aneurysms and dissections. Identifiers: Orphanet 91387, MedGen C4707243, MONDO:0019625.

gnomAD v4.1: 1 of 1,604,962 alleles (0.000062%); no homozygotes.

Submission:

Ambry Genetics
Classification: Uncertain significance for Familial thoracic aortic aneurysm and aortic dissection. Last evaluated: 2024-03-19. Review status: criteria provided, single submitter. Criteria: Ambry Variant Classification Scheme 2023. Collection method: clinical testing. Allele origin: germline.
Comment: The p.S102R variant (also known as c.306C>A), located in coding exon 1 of the PRKG1 gene, results from a C to A substitution at nucleotide position 306. The serine at codon 102 is replaced by arginine, an amino acid with dissimilar properties. This amino acid position is conserved. In addition, the in silico prediction for this alteration is inconclusive. Based on the available evidence, the clinical significance of this alteration remains unclear.

NM_006258.4(PRKG1):c.306C>A (p.Ser102Arg)

Gene: PRKG1 (protein kinase cGMP-dependent 1; plus strand). Cytogenetic location: 10q11.23.
Variant type: single nucleotide variant.
Coding change: c.306C>A on transcript NM_006258.4 (MANE Select); coding-DNA position 306, C replaced by A.
Protein change: p.Ser102Arg; replaces serine 102 with arginine.
Molecular consequence: missense variant. On other transcripts: intron variant (1).
Genome position (GRCh38, 1-based): chr10:51,074,896, C>A. VCF-style: chr10-51074896-C-A. GRCh37 (hg19) VCF-style: chr10-52834656-C-A.
Other names: c.306C>A, p.Ser102Arg (NM_001374782.1); c.267-78268C>A (NM_001098512.3); short protein forms S102R.
Identifiers: ClinVar variation 3310201 (VCV003310201.1).
Genomic context (GRCh38, chr10:51,074,896, plus strand): 5'-GCCCACCGCCTTCGACATCCAGGATCTCAGCCATGTGACCCTGCCCTTCTACCCCAAGAG[C>A]CCACAGTAAGCAGGGGTGACGCGCCGGGTCCATGTGGCGCCCTGGCGATGGGGAGCTGCG-3'
Protein context (NP_006249.1, residues 92-112): SHVTLPFYPK[Ser102Arg]PQSKDLIKEA